The following is an entry in ClinVar:

ClinVar aggregate classification (germline): Uncertain significance (1 of 4 stars; one submission).

Conditions:
Joubert syndrome. Also called: CEREBELLOPARENCHYMAL DISORDER IV; JOUBERT-BOLTSHAUSER SYNDROME; Familial aplasia of the vermis. Identifiers: Orphanet 475, MedGen C5979921, MONDO:0018772.

Submission:

Labcorp Genetics (formerly Invitae), Labcorp
Classification: Uncertain significance for Joubert syndrome. Last evaluated: 2022-09-27. Review status: criteria provided, single submitter. Criteria: Invitae Variant Classification Sherloc (09022015). Collection method: clinical testing. Allele origin: germline.
Comment: In summary, the available evidence is currently insufficient to determine the role of this variant in disease. Therefore, it has been classified as a Variant of Uncertain Significance. Advanced modeling of protein sequence and biophysical properties (such as structural, functional, and spatial information, amino acid conservation, physicochemical variation, residue mobility, and thermodynamic stability) performed at Invitae indicates that this missense variant is not expected to disrupt INPP5E protein function. This variant has not been reported in the literature in individuals affected with INPP5E-related conditions. This variant is not present in population databases (gnomAD no frequency). This sequence change replaces proline, which is neutral and non-polar, with serine, which is neutral and polar, at codon 194 of the INPP5E protein (p.Pro194Ser).

NM_019892.6(INPP5E):c.580C>T (p.Pro194Ser)

Gene: INPP5E (inositol polyphosphate-5-phosphatase E; minus strand). Cytogenetic location: 9q34.3.
Variant type: single nucleotide variant.
Coding change: c.580C>T on transcript NM_019892.6 (MANE Select); coding-DNA position 580, C replaced by T.
Protein change: p.Pro194Ser; replaces proline 194 with serine.
Molecular consequence: missense variant.
Genome position (GRCh38, 1-based): chr9:136,438,840, G>A on the plus strand (C>T on the coding strand, the complement: INPP5E is on the minus strand). VCF-style: chr9-136438840-G-A. GRCh37 (hg19) VCF-style: chr9-139333292-G-A.
Other names: c.580C>T, p.Pro194Ser (NM_001318502.2); short protein forms P194S.
Identifiers: ClinVar variation 2003308 (VCV002003308.4), dbSNP rs200223403, ClinGen allele CA375568300.